The following is an entry in ClinVar:

ClinVar aggregate classification (germline): Uncertain significance (0 of 4 stars; one submission).

Conditions:
EP300-related disorder. Also called: EP300-related disorders; EP300-related condition.

gnomAD v4.1: 5 of 1,614,214 alleles (0.00031%); highest among the groups gnomAD compares: South Asian, 0.0033%; 1 homozygote.

Submission:

PreventionGenetics, part of Exact Sciences
Classification: Uncertain significance for EP300-related condition. Last evaluated: 2024-02-07. Review status: no assertion criteria provided. Collection method: clinical testing. Allele origin: germline.
Comment: The EP300 c.6302C>T variant is predicted to result in the amino acid substitution p.Pro2101Leu. To our knowledge, this variant has not been reported in the literature. This variant is reported in 0.0029% of alleles in individuals of Latino descent in gnomAD. At this time, the clinical significance of this variant is uncertain due to the absence of conclusive functional and genetic evidence.

NM_001429.4(EP300):c.6302C>T (p.Pro2101Leu)

Gene: EP300 (E1A binding protein p300; plus strand). Cytogenetic location: 22q13.2.
Variant type: single nucleotide variant.
Coding change: c.6302C>T on transcript NM_001429.4 (MANE Select); coding-DNA position 6302, C replaced by T.
Protein change: p.Pro2101Leu; replaces proline 2101 with leucine.
Molecular consequence: missense variant.
Genome position (GRCh38, 1-based): chr22:41,178,013, C>T. VCF-style: chr22-41178013-C-T. GRCh37 (hg19) VCF-style: chr22-41574017-C-T.
Other names: c.6224C>T, p.Pro2075Leu (NM_001362843.2); short protein forms P2075L, P2101L.
Identifiers: ClinVar variation 3355638 (VCV003355638.1).